The following is an entry in ClinVar:

ClinVar aggregate classification (germline): Uncertain significance (1 of 4 stars; one submission).

gnomAD v4.1: 15 of 1,613,530 alleles (0.00093%); highest among the groups gnomAD compares: African/African-American, 0.0013%; no homozygotes.

Submission:

Labcorp Genetics (formerly Invitae), Labcorp
Classification: Uncertain significance. Last evaluated: 2025-09-22. Review status: criteria provided, single submitter. Criteria: Invitae Variant Classification Sherloc (09022015). Collection method: clinical testing. Allele origin: germline.
Comment: This sequence change falls in intron 2 of the TFRC gene. It does not directly change the encoded amino acid sequence of the TFRC protein. It affects a nucleotide within the consensus splice site. This variant is not present in population databases (gnomAD no frequency). This variant has not been reported in the literature in individuals affected with TFRC-related conditions. Variants that disrupt the consensus splice site are a relatively common cause of aberrant splicing (PMID: 17576681, 9536098). Algorithms developed to predict the effect of sequence changes on RNA splicing suggest that this variant may disrupt the consensus splice site. In summary, the available evidence is currently insufficient to determine the role of this variant in disease. Therefore, it has been classified as a Variant of Uncertain Significance.

Literature cited by the submitters: PubMed 17576681; PubMed 9536098.

NM_001128148.3(TFRC):c.36+3A>G

Gene: TFRC (transferrin receptor; minus strand). Cytogenetic location: 3q29.
Variant type: single nucleotide variant.
Coding change: c.36+3A>G on transcript NM_001128148.3 (MANE Select); 3 bases into the intron after coding-DNA position 36, A replaced by G.
Molecular consequence: intron variant.
Genome position (GRCh38, 1-based): chr3:196,077,061, T>C on the plus strand (A>G on the coding strand, the complement: TFRC is on the minus strand). VCF-style: chr3-196077061-T-C. GRCh37 (hg19) VCF-style: chr3-195803932-T-C.
Other names: c.-413+3A>G (NM_001313966.2); c.-6+3A>G (NM_001313965.2); c.36+3A>G (NM_003234.4).
Identifiers: ClinVar variation 4761977 (VCV004761977.1).